The following is an entry in ClinVar:

ClinVar aggregate classification (germline): Benign/Likely benign. Review status: criteria provided, single submitter (1 of 4 stars). 5 submissions from 1 submitter: Benign (3); Likely benign (2). Last evaluated 2018-01-13.

Conditions:
Sulfate transporter-related osteochondrodysplasia. Also called: DTDST-related dysplasias. Identifiers: MedGen CN120497. Disease mechanism: loss of function.
Achondrogenesis, type IB (ACG1B). Also called: Achondrogenesis Type 1B. Identifiers: Orphanet 932, Orphanet 93298, MedGen C0265274, MONDO:0010966, OMIM 600972.
Multiple epiphyseal dysplasia type 4 (EDM4). Also called: MULTIPLE EPIPHYSEAL DYSPLASIA WITH BILAYERED PATELLAE; MULTIPLE EPIPHYSEAL DYSPLASIA WITH CLUBFOOT; MULTIPLE EPIPHYSEAL DYSPLASIA, AUTOSOMAL RECESSIVE; SLC26A2-Related Multiple Epiphyseal Dysplasia; Multiple Epiphyseal Dysplasia, Recessive. Identifiers: Orphanet 93307, MedGen C1847593, MONDO:0009189, OMIM 226900.
Atelosteogenesis type II (AO2). Also called: NEONATAL OSSEOUS DYSPLASIA I; Neonatal osseous dysplasia 1; SLC26A2-Related Atelosteogenesis. Identifiers: Orphanet 56304, MedGen C1850554, MONDO:0009727, OMIM 256050.
Diastrophic dysplasia (DTD). Also called: Diastrophic dwarfism. Identifiers: Orphanet 628, MedGen C0220726, MONDO:0009107, OMIM 222600.

Allele frequency attached by ClinVar (database versions not stated): gnomAD exomes 0.00074; gnomAD 0.00940 and 0.00987; 1000 Genomes Project 0.01078; TOPMed 0.01102; 1000 Genomes Project 30x 0.01140.
gnomAD v4.1: 1,434 of 176,554 alleles (0.81%); highest among the groups gnomAD compares: African/African-American, 3.2%; 24 homozygotes.

Submissions (5):

Illumina Laboratory Services, Illumina
Classification: Likely benign for Multiple epiphyseal dysplasia type 4. Last evaluated: 2018-01-13. Review status: criteria provided, single submitter. Criteria: ICSL Variant Classification Criteria 13 December 2019. Collection method: clinical testing. Allele origin: germline.
Comment: This variant was observed in the ICSL laboratory as part of a predisposition screen in an ostensibly healthy population. It had not been previously curated by ICSL or reported in the Human Gene Mutation Database (HGMD: prior to June 1st, 2018), and was therefore a candidate for classification through an automated scoring system. Utilizing variant allele frequency, disease prevalence and penetrance estimates, and inheritance mode, an automated score was calculated to assess if this variant is too frequent to cause the disease. Based on the score and internal cut-off values, a variant classified as likely benign is not then subjected to further curation. The score for this variant resulted in a classification of likely benign for this disease.

Illumina Laboratory Services, Illumina
Classification: Benign for Atelosteogenesis type II. Last evaluated: 2018-01-13. Review status: criteria provided, single submitter. Criteria: ICSL Variant Classification Criteria 13 December 2019. Collection method: clinical testing. Allele origin: germline.
Comment: This variant was observed in the ICSL laboratory as part of a predisposition screen in an ostensibly healthy population. It had not been previously curated by ICSL or reported in the Human Gene Mutation Database (HGMD: prior to June 1st, 2018), and was therefore a candidate for classification through an automated scoring system. Utilizing variant allele frequency, disease prevalence and penetrance estimates, and inheritance mode, an automated score was calculated to assess if this variant is too frequent to cause the disease. Based on the score and internal cut-off values, a variant classified as benign is not then subjected to further curation. The score for this variant resulted in a classification of benign for this disease.

Illumina Laboratory Services, Illumina
Classification: Benign for Diastrophic dysplasia. Last evaluated: 2018-01-13. Review status: criteria provided, single submitter. Criteria: ICSL Variant Classification Criteria 13 December 2019. Collection method: clinical testing. Allele origin: germline.
Comment: the same text as in the submission from Illumina Laboratory Services, Illumina above.

Illumina Laboratory Services, Illumina
Classification: Likely benign for Osteochondrodysplasia. Last evaluated: 2018-01-13. Review status: criteria provided, single submitter. Criteria: ICSL Variant Classification Criteria 13 December 2019. Collection method: clinical testing. Allele origin: germline.
Comment: the same text as in the submission from Illumina Laboratory Services, Illumina above.

Illumina Laboratory Services, Illumina
Classification: Benign for Achondrogenesis, type IB. Last evaluated: 2018-01-13. Review status: criteria provided, single submitter. Criteria: ICSL Variant Classification Criteria 13 December 2019. Collection method: clinical testing. Allele origin: germline.
Comment: the same text as in the submission from Illumina Laboratory Services, Illumina above.

NM_000112.4(SLC26A2):c.*394T>A

Gene: SLC26A2 (solute carrier family 26 member 2; plus strand). Cytogenetic location: 5q32.
Variant type: single nucleotide variant.
Coding change: c.*394T>A on transcript NM_000112.4 (MANE Select); 394 bases downstream of the stop codon, T replaced by A.
Molecular consequence: 3 prime UTR variant.
Genome position (GRCh38, 1-based): chr5:149,982,207, T>A. VCF-style: chr5-149982207-T-A. GRCh37 (hg19) VCF-style: chr5-149361770-T-A.
Identifiers: ClinVar variation 352039 (VCV000352039.5), dbSNP rs140641532, ClinGen allele CA10619673.